The following is an entry in ClinVar:

NM_031296.3(RAB33B):c.*543C>T

Gene: RAB33B (RAB33B, member RAS oncogene family; plus strand). Cytogenetic location: 4q31.1.
Variant type: single nucleotide variant.
Coding change: c.*543C>T on transcript NM_031296.3 (MANE Select); 543 bases downstream of the stop codon, C replaced by T.
Molecular consequence: 3 prime UTR variant.
Genome position (GRCh38, 1-based): chr4:139,473,669, C>T. VCF-style: chr4-139473669-C-T. GRCh37 (hg19) VCF-style: chr4-140394823-C-T.
Identifiers: ClinVar variation 347573 (VCV000347573.6), dbSNP rs79952078, ClinGen allele CA10617961.

ClinVar aggregate classification (germline): Likely benign. Review status: criteria provided, multiple submitters, no conflicts (2 of 4 stars). 2 submissions from 2 submitters: Likely benign (2). Last evaluated 2017-04-27.

Conditions:
Smith-McCort dysplasia 2 (SMC2). Identifiers: MedGen C3714896, MONDO:0014087, OMIM 615222.

Allele frequency attached by ClinVar (database versions not stated): 1000 Genomes Project 30x 0.03186; 1000 Genomes Project 0.03335; TOPMed 0.07071; gnomAD exomes 0.07783; gnomAD 0.09274.
gnomAD v4.1: 12,065 of 152,580 alleles (7.9%); highest among the groups gnomAD compares: Non-Finnish European, 12%; 646 homozygotes.

Submissions (2):

Illumina Laboratory Services, Illumina
Classification: Likely benign for Smith-McCort dysplasia 2. Last evaluated: 2017-04-27. Review status: criteria provided, single submitter. Criteria: ICSL Variant Classification Criteria 13 December 2019. Collection method: clinical testing. Allele origin: germline.
Comment: This variant was observed as part of a predisposition screen in an ostensibly healthy population. A literature search was performed for the gene, cDNA change, and amino acid change (where applicable). No publications were found based on this search. Allele frequency data from public databases allowed determination this variant is unlikely to cause disease. Therefore, this variant is classified as likely benign.

Breakthrough Genomics
Classification: Likely benign. Review status: criteria provided, single submitter. Criteria: ACMG Guidelines, 2015. Collection method: not provided. Allele origin: germline. Inheritance: Autosomal recessive inheritance. Affected: yes.